The following is an entry in ClinVar:

NM_001303.4(COX10):c.682C>T (p.Arg228Cys)

Gene: COX10 (cytochrome c oxidase assembly factor heme A:farnesyltransferase COX10; plus strand). Cytogenetic location: 17p12.
Variant type: single nucleotide variant.
Coding change: c.682C>T on transcript NM_001303.4 (MANE Select); coding-DNA position 682, C replaced by T.
Protein change: p.Arg228Cys; replaces arginine 228 with cysteine.
Molecular consequence: missense variant.
Genome position (GRCh38, 1-based): chr17:14,159,934, C>T. VCF-style: chr17-14159934-C-T. GRCh37 (hg19) VCF-style: chr17-14063251-C-T.
Other names: p.R228C:CGT>TGT; short protein forms R228C.
Identifiers: ClinVar variation 137010 (VCV000137010.20), dbSNP rs114521946, ClinGen allele CA290480.

ClinVar aggregate classification (germline): Conflicting classifications of pathogenicity. Review status: criteria provided, conflicting classifications (1 of 4 stars). 6 submissions from 5 submitters: Uncertain significance (1); Benign (3); Likely benign (1). 1 of the submissions does not count toward it. Last evaluated 2026-01-19.

Conditions:
Leigh syndrome (NULS). Also called: Leigh Disease; Subacute necrotizing encephalopathy; Necrotizing encephalopathy infantile subacute of Leigh; Leigh Syndrome (mtDNA deletion); Leigh's syndrome; LEIGH SYNDROME, NUCLEAR. Identifiers: Orphanet 506, MedGen C2931891, MONDO:0009723, OMIM 256000.
Mitochondrial complex IV deficiency, nuclear type 1 (MC4DN1). Also called: Mitochondrial complex IV deficiency; Complex 4 mitochondrial respiratory chain deficiency; Deficiency of mitochondrial respiratory chain complex4; Complex IV deficiency; COX DEFICIENCY. Identifiers: MedGen C5435656, MONDO:0700250, OMIM 220110. Disease mechanism: loss of function.

Allele frequency attached by ClinVar (database versions not stated): gnomAD exomes 0.00069 and 0.00184; ExAC 0.00265; gnomAD 0.00677 and 0.00727; 1000 Genomes Project 0.00679; TOPMed 0.00752; 1000 Genomes Project 30x 0.00781; ESP Exome Variant Server 0.00853.
gnomAD v4.1: 2,066 of 1,612,150 alleles (0.13%); highest among the groups gnomAD compares: African/African-American, 2.3%; 22 homozygotes.

Submissions (6):

Labcorp Genetics (formerly Invitae), Labcorp
Classification: Benign. Last evaluated: 2026-01-19. Review status: criteria provided, single submitter. Criteria: Invitae Variant Classification Sherloc (09022015). Collection method: clinical testing. Allele origin: germline.

Illumina Laboratory Services, Illumina
Classification: Benign for Leigh syndrome. Last evaluated: 2017-07-08. Review status: criteria provided, single submitter. Criteria: ICSL Variant Classification Criteria 13 December 2019. Collection method: clinical testing. Allele origin: germline.
Comment: This variant was observed as part of a predisposition screen in an ostensibly healthy population. A literature search was performed for the gene, cDNA change, and amino acid change (where applicable). No publications were found based on this search. Allele frequency data from public databases was too high to be consistent with this variant causing disease. Therefore, this variant is classified as benign.

Illumina Laboratory Services, Illumina
Classification: Uncertain significance for Mitochondrial complex IV deficiency, nuclear type 1. Last evaluated: 2017-04-27. Review status: criteria provided, single submitter. Criteria: ICSL Variant Classification Criteria 13 December 2019. Collection method: clinical testing. Allele origin: germline.

Center for Pediatric Genomic Medicine, Children's Mercy Hospital and Clinics
Classification: Likely benign. Last evaluated: 2015-08-19. Review status: criteria provided, single submitter. Criteria: ACMG Guidelines, 2015. Collection method: clinical testing. Allele origin: germline.
ClinVar note: Converted during submission from Likely Benign to Likely benign.

GeneDx
Classification: Benign. Last evaluated: 2014-04-25. Review status: criteria provided, single submitter. Criteria: GeneDx Variant Classification (06012015). Collection method: clinical testing. Allele origin: germline. Affected: yes.
Comment: This variant is considered likely benign or benign based on one or more of the following criteria: it is a conservative change, it occurs at a poorly conserved position in the protein, it is predicted to be benign by multiple in silico algorithms, and/or has population frequency not consistent with disease.

Mayo Clinic Laboratories, Mayo Clinic
Classification: Benign. Last evaluated: 2023-07-17. Review status: no assertion criteria provided. Collection method: clinical testing. Allele origin: unknown. Not counted in ClinVar's aggregate classification.